The following is an entry in ClinVar:

ClinVar aggregate classification (germline): Uncertain significance (1 of 4 stars; one submission).

Conditions:
Bardet-Biedl syndrome (BBS). Identifiers: Orphanet 110, MedGen C0752166, MONDO:0015229.
McKusick-Kaufman syndrome (MKKS). Also called: HYDROMETROCOLPOS SYNDROME; HYDROMETROCOLPOS, POSTAXIAL POLYDACTYLY, AND CONGENITAL HEART MALFORMATION. Identifiers: Orphanet 2473, MedGen C0948368, MONDO:0009367, OMIM 236700.

gnomAD v4.1: 15 of 1,614,198 alleles (0.00093%); highest among the groups gnomAD compares: African/African-American, 0.004%; no homozygotes.

Submission:

Labcorp Genetics (formerly Invitae), Labcorp
Classification: Uncertain significance for McKusick-Kaufman syndrome; Bardet-Biedl syndrome. Last evaluated: 2025-08-21. Review status: criteria provided, single submitter. Criteria: Invitae Variant Classification Sherloc (09022015). Collection method: clinical testing. Allele origin: germline.
Comment: This sequence change replaces asparagine, which is neutral and polar, with aspartic acid, which is acidic and polar, at codon 278 of the MKKS protein (p.Asn278Asp). This variant is not present in population databases (gnomAD no frequency). This variant has not been reported in the literature in individuals affected with MKKS-related conditions. ClinVar contains an entry for this variant (Variation ID: 1418167). Invitae Evidence Modeling of protein sequence and biophysical properties (such as structural, functional, and spatial information, amino acid conservation, physicochemical variation, residue mobility, and thermodynamic stability) indicates that this missense variant is not expected to disrupt MKKS protein function with a negative predictive value of 95%. In summary, the available evidence is currently insufficient to determine the role of this variant in disease. Therefore, it has been classified as a Variant of Uncertain Significance.

NM_170784.3(MKKS):c.832A>G (p.Asn278Asp)

Gene: MKKS (MKKS centrosomal shuttling protein; minus strand). Cytogenetic location: 20p12.2.
Variant type: single nucleotide variant.
Coding change: c.832A>G on transcript NM_170784.3 (MANE Select); coding-DNA position 832, A replaced by G.
Protein change: p.Asn278Asp; replaces asparagine 278 with aspartic acid.
Molecular consequence: missense variant.
Genome position (GRCh38, 1-based): chr20:10,412,683, T>C on the plus strand (A>G on the coding strand, the complement: MKKS is on the minus strand). VCF-style: chr20-10412683-T-C. GRCh37 (hg19) VCF-style: chr20-10393331-T-C.
Other names: c.832A>G, p.Asn278Asp (NM_018848.3); short protein forms N278D.
Identifiers: ClinVar variation 1418167 (VCV001418167.4), dbSNP rs578252932, ClinGen allele CA311323509.